The following is an entry in ClinVar:

ClinVar aggregate classification (germline): Uncertain significance (1 of 4 stars; one submission).

Submission:

Women's Health and Genetics/Laboratory Corporation of America, LabCorp
Classification: Uncertain significance. Last evaluated: 2020-04-13. Review status: criteria provided, single submitter. Criteria: LabCorp Variant Classification Summary - May 2015. Collection method: clinical testing. Allele origin: germline.
Comment: Variant summary: SOS1 c.1251_1347dup97 (p.Leu450SerfsX13) results in a premature termination codon, predicted to cause a truncation of the encoded protein or absence of the protein due to nonsense mediated decay. The variant was absent in 250974 control chromosomes (gnomAD). The available data on variant occurrences in the general population are insufficient to allow any conclusion about variant significance. To our knowledge, no occurrence of c.1251_1347dup97 in individuals affected with Noonan Syndrome And Related Conditions and no experimental evidence demonstrating its impact on protein function have been reported. No clinical diagnostic laboratories have submitted clinical-significance assessments for this variant to ClinVar after 2014. Based on the evidence outlined above, the variant was classified as uncertain significance.

NM_005633.4(SOS1):c.1251_1347dup (p.Leu450delinsSerAsnGlnGluAspGluArgAspSerGluGluTyrTer)

Gene: SOS1 (SOS Ras/Rac guanine nucleotide exchange factor 1; minus strand). Cytogenetic location: 2p22.1.
Variant type: Duplication.
Coding change: c.1251_1347dup on transcript NM_005633.4 (MANE Select); coding-DNA positions 1251 to 1347, 97 bases duplicated.
Protein change: p.Leu450delinsSerAsnGlnGluAspGluArgAspSerGluGluTyrTer.
Molecular consequence: nonsense.
Genome position (GRCh38, 1-based): chr2:39,023,081-39,023,177, 97 bases duplicated. GRCh37 (hg19): chr2:39,250,226-39,250,322.
Other names: c.1230_1326dup, p.Leu443delinsSerAsnGlnGluAspGluArgAspSerGluGluTyrTer (NM_001382394.1); c.1251_1347dup, p.Leu450delinsSerAsnGlnGluAspGluArgAspSerGluGluTyrTer (NM_001382395.1).
Identifiers: ClinVar variation 917760 (VCV000917760.1), dbSNP rs1669848601, ClinGen allele CA1139656889.